The following is an entry in ClinVar:

NM_032539.5(SLITRK2):c.91A>G (p.Ile31Val)

Gene: SLITRK2 (SLIT and NTRK like family member 2; plus strand). Cytogenetic location: Xq27.3.
Variant type: single nucleotide variant.
Coding change: c.91A>G on transcript NM_032539.5 (MANE Select); coding-DNA position 91, A replaced by G.
Protein change: p.Ile31Val; replaces isoleucine 31 with valine.
Molecular consequence: missense variant.
Genome position (GRCh38, 1-based): chrX:145,822,516, A>G. VCF-style: chrX-145822516-A-G. GRCh37 (hg19) VCF-style: chrX-144904034-A-G.
Other names: c.91A>G, p.Ile31Val (NM_001144003.3, NM_001144004.3, NM_001144005.3 and 4 more transcripts); short protein forms I31V.
Identifiers: ClinVar variation 3898096 (VCV003898096.7).

ClinVar aggregate classification (germline): Likely benign (1 of 4 stars; one submission).

gnomAD v4.1: 15 of 1,209,693 alleles (0.0012%); highest among the groups gnomAD compares: Middle Eastern, 0.023%; no homozygotes.

Submission:

CeGaT Center for Human Genetics Tuebingen
Classification: Likely benign. Last evaluated: 2025-04-01. Review status: criteria provided, single submitter. Criteria: CeGaT Center For Human Genetics Tuebingen Variant Classification Criteria Version 2. Collection method: clinical testing. Allele origin: germline. Affected: yes. Observed: 1 variant allele.
Comment: SLITRK2: BS2